The following is an entry in ClinVar:

ClinVar aggregate classification (germline): Uncertain significance (1 of 4 stars; one submission).

Conditions:
Retinitis pigmentosa 12 (RP12). Also called: RP WITH OR WITHOUT PPRPE; RP WITH OR WITHOUT PRESERVED PARAARTERIOLE RETINAL PIGMENT EPITHELIUM; RETINITIS PIGMENTOSA WITH OR WITHOUT PARAARTERIOLAR PRESERVATION OF RETINAL PIGMENT EPITHELIUM. Identifiers: Orphanet 791, MedGen C1838647, MONDO:0010818, OMIM 600105.
Leber congenital amaurosis 8 (LCA8). Identifiers: Orphanet 65, MedGen C3151202, MONDO:0013453, OMIM 613835.

Submission:

Labcorp Genetics (formerly Invitae), Labcorp
Classification: Uncertain significance for Leber congenital amaurosis 8; Retinitis pigmentosa 12. Last evaluated: 2023-01-12. Review status: criteria provided, single submitter. Criteria: Invitae Variant Classification Sherloc (09022015). Collection method: clinical testing. Allele origin: germline.
Comment: In summary, the available evidence is currently insufficient to determine the role of this variant in disease. Therefore, it has been classified as a Variant of Uncertain Significance. Advanced modeling of protein sequence and biophysical properties (such as structural, functional, and spatial information, amino acid conservation, physicochemical variation, residue mobility, and thermodynamic stability) performed at Invitae indicates that this missense variant is expected to disrupt CRB1 protein function. This missense change has been observed in individual(s) with retinitis pigmentosa (Invitae). This variant is not present in population databases (gnomAD no frequency). This sequence change replaces cysteine, which is neutral and slightly polar, with serine, which is neutral and polar, at codon 851 of the CRB1 protein (p.Cys851Ser).

NM_201253.3(CRB1):c.2552G>C (p.Cys851Ser)

Gene: CRB1 (crumbs cell polarity complex component 1; plus strand). Cytogenetic location: 1q31.3.
Variant type: single nucleotide variant.
Coding change: c.2552G>C on transcript NM_201253.3 (MANE Select); coding-DNA position 2552, G replaced by C.
Protein change: p.Cys851Ser; replaces cysteine 851 with serine.
Molecular consequence: missense variant. On other transcripts: non-coding transcript variant (2), intron variant (1).
Genome position (GRCh38, 1-based): chr1:197,427,877, G>C. VCF-style: chr1-197427877-G-C. GRCh37 (hg19) VCF-style: chr1-197397007-G-C.
Other names: c.2216G>C, p.Cys739Ser (NM_001193640.2); c.2345G>C, p.Cys782Ser (NM_001257965.2); c.2128+5921G>C (NM_001257966.2); short protein forms C739S, C782S, C851S.
Identifiers: ClinVar variation 2943125 (VCV002943125.3), dbSNP rs2528152231, ClinGen allele CA344038216.